The following is an entry in ClinVar:

ClinVar aggregate classification (germline): Conflicting classifications of pathogenicity. Review status: criteria provided, conflicting classifications (1 of 4 stars). 3 submissions from 3 submitters: Uncertain significance (1); Likely benign (2). Last evaluated 2026-01-07.

Conditions:
Landau-Kleffner syndrome (FESD). Also called: EPILEPSY, FOCAL, WITH SPEECH DISORDER AND WITH OR WITHOUT MENTAL RETARDATION; APHASIA, ACQUIRED, WITH EPILEPSY. Identifiers: Orphanet 1945, Orphanet 725, Orphanet 98818, MedGen C0282512, MONDO:0009509, OMIM 245570.

Allele frequency attached by ClinVar (database versions not stated): gnomAD 0.00001.
gnomAD v4.1: 15 of 1,613,842 alleles (0.00093%); highest among the groups gnomAD compares: Admixed American, 0.005%; no homozygotes.

Submissions (3):

Labcorp Genetics (formerly Invitae), Labcorp
Classification: Likely benign for Landau-Kleffner syndrome. Last evaluated: 2026-01-07. Review status: criteria provided, single submitter. Criteria: Invitae Variant Classification Sherloc (09022015). Collection method: clinical testing. Allele origin: germline.

Illumina Laboratory Services, Illumina
Classification: Uncertain significance for Landau-Kleffner syndrome. Last evaluated: 2018-01-13. Review status: criteria provided, single submitter. Criteria: ICSL Variant Classification Criteria 13 December 2019. Collection method: clinical testing. Allele origin: germline.

GeneDx
Classification: Likely benign. Last evaluated: 2017-03-22. Review status: criteria provided, single submitter. Criteria: GeneDx Variant Classification (06012015). Collection method: clinical testing. Allele origin: germline. Affected: yes.
Comment: This variant is considered likely benign or benign based on one or more of the following criteria: it is a conservative change, it occurs at a poorly conserved position in the protein, it is predicted to be benign by multiple in silico algorithms, and/or has population frequency not consistent with disease.

NM_001134407.3(GRIN2A):c.2985G>A (p.Thr995=)

Gene: GRIN2A (glutamate ionotropic receptor NMDA type subunit 2A; minus strand). Cytogenetic location: 16p13.2.
Variant type: single nucleotide variant.
Coding change: c.2985G>A on transcript NM_001134407.3 (MANE Select); coding-DNA position 2985, G replaced by A.
Protein change: p.Thr995=; no amino-acid change (threonine 995 retained).
Molecular consequence: synonymous variant.
Genome position (GRCh38, 1-based): chr16:9,764,559, C>T on the plus strand (G>A on the coding strand, the complement: GRIN2A is on the minus strand). VCF-style: chr16-9764559-C-T. GRCh37 (hg19) VCF-style: chr16-9858416-C-T.
Other names: c.2985G>A, p.Thr995= (NM_000833.5, NM_001134408.2).
Identifiers: ClinVar variation 508346 (VCV000508346.15), dbSNP rs781646325, ClinGen allele CA7896395.